The following is an entry in ClinVar:

NM_002336.3(LRP6):c.3910G>A (p.Ala1304Thr)

Gene: LRP6 (LDL receptor related protein 6; minus strand). Cytogenetic location: 12p13.2.
Variant type: single nucleotide variant.
Coding change: c.3910G>A on transcript NM_002336.3 (MANE Select); coding-DNA position 3910, G replaced by A.
Protein change: p.Ala1304Thr; replaces alanine 1304 with threonine.
Molecular consequence: missense variant. On other transcripts: non-coding transcript variant (1), intron variant (1).
Genome position (GRCh38, 1-based): chr12:12,131,881, C>T on the plus strand (G>A on the coding strand, the complement: LRP6 is on the minus strand). VCF-style: chr12-12131881-C-T. GRCh37 (hg19) VCF-style: chr12-12284815-C-T.
Other names: c.3910G>A (NM_002336.2); c.4003G>A, p.Ala1335Thr (NM_001414244.1); c.3910G>A, p.Ala1304Thr (NM_001414245.1, NM_001414248.1, NM_001414249.1 and 1 more transcripts); c.3775G>A, p.Ala1259Thr (NM_001414246.1); c.3712G>A, p.Ala1238Thr (NM_001414247.1); c.3457G>A, p.Ala1153Thr (NM_001414252.1, NM_001414253.1, NM_001414254.1); c.3403G>A, p.Ala1135Thr (NM_001414255.1); c.3608-988G>A (NM_001414251.1); short protein forms A1135T, A1259T, A1335T, A1153T, A1238T, A1304T.
Identifiers: ClinVar variation 3630845 (VCV003630845.3).

ClinVar aggregate classification (germline): Uncertain significance. Review status: criteria provided, multiple submitters, no conflicts (2 of 4 stars). 2 submissions from 2 submitters: Uncertain significance (2). Last evaluated 2025-04-11.

Conditions:
Inborn genetic diseases. Identifiers: MedGen C0950123, MeSH D030342.

gnomAD v4.1: 190 of 1,614,076 alleles (0.012%); highest among the groups gnomAD compares: Non-Finnish European, 0.015%; no homozygotes.

Submissions (2):

Ambry Genetics
Classification: Uncertain significance for Inborn genetic diseases. Last evaluated: 2025-04-11. Review status: criteria provided, single submitter. Criteria: Ambry Variant Classification Scheme 2023. Collection method: clinical testing. Allele origin: germline.

Labcorp Genetics (formerly Invitae), Labcorp
Classification: Uncertain significance. Last evaluated: 2025-04-02. Review status: criteria provided, single submitter. Criteria: Invitae Variant Classification Sherloc (09022015). Collection method: clinical testing. Allele origin: germline.
Comment: This sequence change replaces alanine, which is neutral and non-polar, with threonine, which is neutral and polar, at codon 1304 of the LRP6 protein (p.Ala1304Thr). This variant is present in population databases (rs376223132, gnomAD 0.02%). This variant has not been reported in the literature in individuals affected with LRP6-related conditions. ClinVar contains an entry for this variant (Variation ID: 3630845). Invitae Evidence Modeling of protein sequence and biophysical properties (such as structural, functional, and spatial information, amino acid conservation, physicochemical variation, residue mobility, and thermodynamic stability) indicates that this missense variant is not expected to disrupt LRP6 protein function with a negative predictive value of 80%. In summary, the available evidence is currently insufficient to determine the role of this variant in disease. Therefore, it has been classified as a Variant of Uncertain Significance.